The following is an entry in ClinVar:

NM_001375524.1(TRRAP):c.7176+6C>G

Gene: TRRAP (transformation/transcription domain associated protein; plus strand). Cytogenetic location: 7q22.1.
Variant type: single nucleotide variant.
Coding change: c.7176+6C>G on transcript NM_001375524.1 (MANE Select); 6 bases into the intron after coding-DNA position 7176, C replaced by G.
Molecular consequence: intron variant.
Genome position (GRCh38, 1-based): chr7:98,965,901, C>G. VCF-style: chr7-98965901-C-G. GRCh37 (hg19) VCF-style: chr7-98563524-C-G.
Other names: c.7155+6C>G (NM_001244580.2); c.7101+6C>G (NM_003496.4).
Identifiers: ClinVar variation 2964661 (VCV002964661.3), dbSNP rs754198031, ClinGen allele CA4361068.

ClinVar aggregate classification (germline): Uncertain significance (1 of 4 stars; one submission).

Allele frequency attached by ClinVar (database versions not stated): gnomAD exomes 0.00001; ExAC 0.00001.
gnomAD v4.1: 21 of 1,613,894 alleles (0.0013%); highest among the groups gnomAD compares: Non-Finnish European, 0.0018%; no homozygotes.

Submission:

Labcorp Genetics (formerly Invitae), Labcorp
Classification: Uncertain significance. Last evaluated: 2026-01-31. Review status: criteria provided, single submitter. Criteria: Invitae Variant Classification Sherloc (09022015). Collection method: clinical testing. Allele origin: germline.
Comment: This sequence change falls in intron 47 of the TRRAP gene. It does not directly change the encoded amino acid sequence of the TRRAP protein. It affects a nucleotide within the consensus splice site. This variant is present in population databases (rs754198031, gnomAD 0.002%). This variant has not been reported in the literature in individuals affected with TRRAP-related conditions. ClinVar contains an entry for this variant (Variation ID: 2964661). Variants that disrupt the consensus splice site are a relatively common cause of aberrant splicing (PMID: 17576681, 9536098). Algorithms developed to predict the effect of sequence changes on RNA splicing suggest that this variant is not likely to affect RNA splicing. In summary, the available evidence is currently insufficient to determine the role of this variant in disease. Therefore, it has been classified as a Variant of Uncertain Significance.

Literature cited by the submitters: PubMed 17576681; PubMed 9536098.